The following is an entry in ClinVar:

NM_001080466.2(BTBD17):c.1236G>C (p.Thr412=)

Gene: BTBD17 (BTB domain containing 17; minus strand). Cytogenetic location: 17q25.1.
Variant type: single nucleotide variant.
Coding change: c.1236G>C on transcript NM_001080466.2 (MANE Select); coding-DNA position 1236, G replaced by C.
Protein change: p.Thr412=; no amino-acid change (threonine 412 retained).
Molecular consequence: synonymous variant.
Genome position (GRCh38, 1-based): chr17:74,356,858, C>G on the plus strand (G>C on the coding strand, the complement: BTBD17 is on the minus strand). VCF-style: chr17-74356858-C-G. GRCh37 (hg19) VCF-style: chr17-72352997-C-G.
Identifiers: ClinVar variation 2648198 (VCV002648198.24), dbSNP rs996264539, ClinGen allele CA293862421.
Genomic context (GRCh38, chr17:74,356,858, plus strand): 5'-GTGGAAGCTGTAGGCGTGGCGGACCAGCAGGCGGCCCTGCTGGCGCGCCCCCACCAGCAC[C>G]GTCTTCTGGAAGCTCACGCCCGCCGCGTCGCCGCCGCTGCTGGCCGGCGTCACCACCAGC-3'
Protein context (NP_001073935.1, residues 402-422): GDAAGVSFQK[Thr412=]VLVGARQQGR

ClinVar aggregate classification (germline): Likely benign (1 of 4 stars; one submission).

Allele frequency attached by ClinVar (database versions not stated): gnomAD 0.00001.
gnomAD v4.1: 11 of 1,537,998 alleles (0.00072%); highest among the groups gnomAD compares: African/African-American, 0.0014%; no homozygotes.

Submission:

CeGaT Center for Human Genetics Tuebingen
Classification: Likely benign. Last evaluated: 2026-08-01. Review status: criteria provided, single submitter. Criteria: CeGaT Center For Human Genetics Tuebingen Variant Classification Criteria Version 2. Collection method: clinical testing. Allele origin: germline. Affected: yes. Observed: 6 variant alleles.
Comment: BTBD17: BP4, BP7